The following is an entry in ClinVar:

ClinVar aggregate classification (germline): Conflicting classifications of pathogenicity. Review status: criteria provided, conflicting classifications (1 of 4 stars). 4 submissions from 3 submitters: Uncertain significance (2); Likely benign (2). Last evaluated 2023-10-04.

Conditions:
Hypercholesterolemia, autosomal dominant, type B (FHCL2). Also called: Familial hypercholesterolemia 2; Familial Hypercholesterolemia Type B; APOLIPOPROTEIN B-100, FAMILIAL DEFECTIVE; APOLIPOPROTEIN B-100, FAMILIAL LIGAND-DEFECTIVE; HYPERCHOLESTEROLEMIA, FAMILIAL, DUE TO LIGAND-DEFECTIVE APOLIPOPROTEIN B; APOB-Related Familial Hypercholesterolemia, Autosomal Dominant. Identifiers: MedGen C1704417, MONDO:0007751, OMIM 144010.
Familial hypobetalipoproteinemia 1. Also called: Hypobetalipoproteinemia, normotriglyceridemic; Acanthocytosis with hypobetalipoproteinemia; APOB-Related Familial Hypobetalipoproteinemia. Identifiers: MedGen C4551990, MONDO:0014252, OMIM 615558.
Familial hypercholesterolemia. Also called: Familial hypercholesterolaemia; Familial hypercholesterolemias. Identifiers: MedGen C0020445, MONDO:0005439.

Allele frequency attached by ClinVar (database versions not stated): gnomAD exomes below 0.00001 and 0.00001; ExAC 0.00002.
gnomAD v4.1: 2 of 1,609,996 alleles (0.00012%); highest among the groups gnomAD compares: Admixed American, 0.0033%; no homozygotes.

Submissions (4):

Labcorp Genetics (formerly Invitae), Labcorp
Classification: Likely benign for Familial hypobetalipoproteinemia 1; Hypercholesterolemia, autosomal dominant, type B. Last evaluated: 2023-10-04. Review status: criteria provided, single submitter. Criteria: Invitae Variant Classification Sherloc (09022015). Collection method: clinical testing. Allele origin: germline.

GENinCode PLC
Classification: Likely benign for Familial hypercholesterolemia. Last evaluated: 2023-03-31. Review status: criteria provided, single submitter. Criteria: ACMG Guidelines, 2015. Collection method: clinical testing. Allele origin: germline.
Comment: This is a synonymous (silent) variant that is not predicted by SpliceAI to impact splicing. In addition, it occurs at a nucleotide that is not conserved. Therefore this variant has been classified as Likely Benign (BP4, BP7).

Illumina Laboratory Services, Illumina
Classification: Uncertain significance for Hypercholesterolemia, autosomal dominant, type B. Last evaluated: 2018-01-12. Review status: criteria provided, single submitter. Criteria: ICSL Variant Classification Criteria 13 December 2019. Collection method: clinical testing. Allele origin: germline.

Illumina Laboratory Services, Illumina
Classification: Uncertain significance for Familial hypobetalipoproteinemia 1. Last evaluated: 2018-01-12. Review status: criteria provided, single submitter. Criteria: ICSL Variant Classification Criteria 13 December 2019. Collection method: clinical testing. Allele origin: germline.

NM_000384.3(APOB):c.6342C>T (p.Ala2114=)

Gene: APOB (apolipoprotein B; minus strand). Cytogenetic location: 2p24.1.
Variant type: single nucleotide variant.
Coding change: c.6342C>T on transcript NM_000384.3 (MANE Select); coding-DNA position 6342, C replaced by T.
Protein change: p.Ala2114=; no amino-acid change (alanine 2114 retained).
Molecular consequence: synonymous variant.
Genome position (GRCh38, 1-based): chr2:21,010,526, G>A on the plus strand (C>T on the coding strand, the complement: APOB is on the minus strand). VCF-style: chr2-21010526-G-A. GRCh37 (hg19) VCF-style: chr2-21233398-G-A.
Identifiers: ClinVar variation 334131 (VCV000334131.13), dbSNP rs768164831, ClinGen allele CA063120.